The following is an entry in ClinVar:

NM_024334.3(TMEM43):c.978G>T (p.Met326Ile)

Gene: TMEM43 (transmembrane protein 43; plus strand). Cytogenetic location: 3p25.1.
Variant type: single nucleotide variant.
Coding change: c.978G>T on transcript NM_024334.3 (MANE Select); coding-DNA position 978, G replaced by T.
Protein change: p.Met326Ile; replaces methionine 326 with isoleucine.
Molecular consequence: missense variant.
Genome position (GRCh38, 1-based): chr3:14,139,275, G>T. VCF-style: chr3-14139275-G-T. GRCh37 (hg19) VCF-style: chr3-14180775-G-T.
Other names: c.981G>T, p.Met327Ile (NM_001407274.1); c.975G>T, p.Met325Ile (NM_001407275.1, NM_001407276.1); c.972G>T, p.Met324Ile (NM_001407277.1); c.963G>T, p.Met321Ile (NM_001407278.1); c.903G>T, p.Met301Ile (NM_001407279.1); c.828G>T, p.Met276Ile (NM_001407280.1); short protein forms M276I, M324I, M301I, M321I, M327I, M325I, M326I.
Identifiers: ClinVar variation 1768206 (VCV001768206.3), dbSNP rs1260338851, ClinGen allele CA351536285.

ClinVar aggregate classification (germline): Uncertain significance. Review status: criteria provided, multiple submitters, no conflicts (2 of 4 stars). 2 submissions from 2 submitters: Uncertain significance (2). Last evaluated 2025-07-28.

Conditions:
Cardiovascular phenotype. Identifiers: MedGen CN230736.
Cardiomyopathy (CMYO). Also called: Cardiomyopathies. Identifiers: Orphanet 167848, MedGen C0878544, MONDO:0004994, HP:0001638. Inheritance: Various modes of inheritance.

Allele frequency attached by ClinVar (database versions not stated): gnomAD 0.00001; gnomAD exomes below 0.00001; TOPMed below 0.00001.

Submissions (2):

Color Diagnostics, LLC DBA Color Health
Classification: Uncertain significance for Cardiomyopathy. Last evaluated: 2025-07-28. Review status: criteria provided, single submitter. Criteria: ACMG Guidelines, 2015. Collection method: clinical testing. Allele origin: germline.
Comment: This missense variant replaces methionine with isoleucine at codon 326 of the TMEM43 protein. Computational prediction suggests that this variant may not impact protein structure and function. To our knowledge, functional studies have not been reported for this variant. This variant has not been reported in individuals affected with TMEM43-related disorders in the literature. This variant has not been identified in the general population by the Genome Aggregation Database (gnomAD). The available evidence is insufficient to determine the role of this variant in disease conclusively. Therefore, this variant is classified as a Variant of Uncertain Significance.

Ambry Genetics
Classification: Uncertain significance for Cardiovascular phenotype. Last evaluated: 2021-05-11. Review status: criteria provided, single submitter. Criteria: Ambry Variant Classification Scheme 2023. Collection method: clinical testing. Allele origin: germline.
Comment: The p.M326I variant (also known as c.978G>T), located in coding exon 11 of the TMEM43 gene, results from a G to T substitution at nucleotide position 978. The methionine at codon 326 is replaced by isoleucine, an amino acid with highly similar properties. This amino acid position is well conserved in available vertebrate species. In addition, this alteration is predicted to be tolerated by in silico analysis. Since supporting evidence is limited at this time, the clinical significance of this alteration remains unclear.